The following is an entry in ClinVar:

ClinVar aggregate classification (germline): Uncertain significance (1 of 4 stars; one submission).

Submission:

GeneDx
Classification: Uncertain significance. Last evaluated: 2025-06-05. Review status: criteria provided, single submitter. Criteria: GeneDx Variant Classification Process June 2021. Collection method: clinical testing. Allele origin: germline. Affected: yes.
Comment: Not observed at significant frequency in large population cohorts (gnomAD); In silico analysis supports that this missense variant has a deleterious effect on protein structure/function; Has not been previously published as pathogenic or benign to our knowledge

NM_000719.7(CACNA1C):c.2987T>G (p.Ile996Ser)

Gene: CACNA1C (calcium voltage-gated channel subunit alpha1 C; plus strand). Cytogenetic location: 12p13.33.
Variant type: single nucleotide variant.
Coding change: c.2987T>G on transcript NM_000719.7 (MANE Select); coding-DNA position 2987, T replaced by G.
Protein change: p.Ile996Ser; replaces isoleucine 996 with serine.
Molecular consequence: missense variant.
Genome position (GRCh38, 1-based): chr12:2,605,107, T>G. VCF-style: chr12-2605107-T-G. GRCh37 (hg19) VCF-style: chr12-2714273-T-G.
Other names: c.2987T>G, p.Ile996Ser (NM_001129837.2, NM_001129838.2, NM_001129839.2 and 15 more transcripts); c.2978T>G, p.Ile993Ser (NM_001129844.2); c.3047T>G, p.Ile1016Ser (NM_001129827.2, NM_001129832.2, NM_199460.4); short protein forms I1016S, I993S, I996S.
Identifiers: ClinVar variation 4536592 (VCV004536592.1).